The following is an entry in ClinVar:

NM_001042492.3(NF1):c.2968A>C (p.Thr990Pro)

Gene: NF1 (neurofibromin 1; plus strand). Cytogenetic location: 17q11.2.
Variant type: single nucleotide variant.
Coding change: c.2968A>C on transcript NM_001042492.3 (MANE Select); coding-DNA position 2968, A replaced by C.
Protein change: p.Thr990Pro; replaces threonine 990 with proline.
Molecular consequence: missense variant.
Genome position (GRCh38, 1-based): chr17:31,229,952, A>C. VCF-style: chr17-31229952-A-C. GRCh37 (hg19) VCF-style: chr17-29556970-A-C.
Other names: c.2968A>C, p.Thr990Pro (NM_000267.4); short protein forms T990P.
Identifiers: ClinVar variation 229956 (VCV000229956.12), dbSNP rs876658299, ClinGen allele CA10580271.

ClinVar aggregate classification (germline): Uncertain significance. Review status: criteria provided, multiple submitters, no conflicts (2 of 4 stars). 4 submissions from 3 submitters: Uncertain significance (4). Last evaluated 2025-09-10.

Conditions:
Cardiovascular phenotype. Identifiers: MedGen CN230736.
Hereditary cancer-predisposing syndrome. Also called: Hereditary Cancer Syndrome; Neoplastic Syndromes, Hereditary; Tumor predisposition; Hereditary neoplastic syndrome. Identifiers: Orphanet 140162, MedGen C0027672, MeSH D009386, MONDO:0015356.
Neurofibromatosis, type 1 (NF1). Also called: Neurofibromatosis, type I; VON RECKLINGHAUSEN DISEASE; NEUROFIBROMATOSIS, TYPE I, SOMATIC; Peripheral type neurofibromatosis. Identifiers: Orphanet 636, MedGen C0027831, MONDO:0018975, OMIM 162200. Disease mechanism: loss of function.

Allele frequency attached by ClinVar (database versions not stated): TOPMed below 0.00001; gnomAD 0.00001.

Submissions (4):

Labcorp Genetics (formerly Invitae), Labcorp
Classification: Uncertain significance for Neurofibromatosis, type 1. Last evaluated: 2025-09-10. Review status: criteria provided, single submitter. Criteria: Invitae Variant Classification Sherloc (09022015). Collection method: clinical testing. Allele origin: germline.
Comment: This sequence change replaces threonine, which is neutral and polar, with proline, which is neutral and non-polar, at codon 990 of the NF1 protein (p.Thr990Pro). This variant is not present in population databases (gnomAD no frequency). This variant has not been reported in the literature in individuals affected with NF1-related conditions. ClinVar contains an entry for this variant (Variation ID: 229956). Invitae Evidence Modeling of protein sequence and biophysical properties (such as structural, functional, and spatial information, amino acid conservation, physicochemical variation, residue mobility, and thermodynamic stability) indicates that this missense variant is not expected to disrupt NF1 protein function with a negative predictive value of 95%. In summary, the available evidence is currently insufficient to determine the role of this variant in disease. Therefore, it has been classified as a Variant of Uncertain Significance.

Ambry Genetics
Classification: Uncertain significance for Cardiovascular phenotype; Hereditary cancer-predisposing syndrome. Last evaluated: 2023-03-01. Review status: criteria provided, single submitter. Criteria: Ambry General Variant Classification Scheme_2022. Collection method: clinical testing. Allele origin: germline.
Comment: The p.T990P variant (also known as c.2968A>C), located in coding exon 22 of the NF1 gene, results from an A to C substitution at nucleotide position 2968. The threonine at codon 990 is replaced by proline, an amino acid with highly similar properties. This amino acid position is highly conserved in available vertebrate species. In addition, this alteration is predicted to be deleterious by in silico analysis. Since supporting evidence is limited at this time, the clinical significance of this alteration remains unclear.

Genome-Nilou Lab
Classification: Uncertain significance for Neurofibromatosis, type 1. Last evaluated: 2022-03-15. Review status: criteria provided, single submitter. Criteria: ACMG Guidelines, 2015. Collection method: clinical testing. Allele origin: germline. Affected: no.

Ambry Genetics
Classification: Uncertain significance for Hereditary cancer-predisposing syndrome. Last evaluated: 2015-01-07. Review status: criteria provided, single submitter. Criteria: Ambry Autosomal Dominant and X-Linked criteria (10/2015). Collection method: clinical testing. Allele origin: germline. Observed: 1 variant allele.
Comment: The p.T990P variant (also known as c.2968A>C), located in coding exon 22 of the NF1 gene, results from an A to C substitution at nucleotide position 2968. The threonine at codon 990 is replaced by proline, an amino acid with highly similar properties. This variant was not reported in population based cohorts in the following databases: Database of Single Nucleotide Polymorphisms (dbSNP), NHLBI Exome Sequencing Project (ESP), and 1000 Genomes Project. In the ESP, this variant was not observed in 6500 samples (13000 alleles) with coverage at this position. To date, this alteration has been detected with an allele frequency of approximately 0.003% (greater than 30000 alleles tested) in our clinical cohort. This amino acid position is highly conserved in available vertebrate species. In addition, this alteration is predicted to be deleterious by in silico analysis. Since supporting evidence is limited at this time, the clinical significance of p.T990P remains unclear.